The following is an entry in ClinVar:

NM_001605.3(AARS1):c.1002del (p.Arg333_Tyr334insTer)

Gene: AARS1 (alanyl-tRNA synthetase 1; minus strand). Cytogenetic location: 16q22.1.
Variant type: Deletion.
Coding change: c.1002del on transcript NM_001605.3 (MANE Select); coding-DNA position 1002, one base deleted (C; older notation c.1002delC).
Protein change: p.Arg333_Tyr334insTer.
Molecular consequence: nonsense.
Genome position (GRCh38, 1-based): chr16:70,268,340, G deleted on the plus strand (C on the coding strand, the reverse complement: AARS1 is on the minus strand). VCF-style (leftmost placement, unchanged base first): chr16-70268339-CG-C. GRCh37 (hg19) VCF-style: chr16-70302242-CG-C.
Identifiers: ClinVar variation 3728158 (VCV003728158.2).
Genomic context (GRCh38, chr16:70,268,339, plus strand): 5'-GGACGACAACATCCACTAACGTAGCAAAGAAGCCCCTGCTGGCATTGAGCTTTTCATGGG[CG>C]TATCGGACAGCTCGGCGGAGAATCCGTCTCAACACATATCTGTAAGAGGCAAAAACTAGT-3'

ClinVar aggregate classification (germline): Pathogenic (1 of 4 stars; one submission).

Conditions:
Charcot-Marie-Tooth disease type 2. Also called: Charcot-Marie-Tooth type 2. Identifiers: Orphanet 64746, MedGen C0270914, MONDO:0018993.

Submission:

Labcorp Genetics (formerly Invitae), Labcorp
Classification: Pathogenic for Charcot-Marie-Tooth disease type 2. Last evaluated: 2024-02-16. Review status: criteria provided, single submitter. Criteria: Invitae Variant Classification Sherloc (09022015). Collection method: clinical testing. Allele origin: germline.
Comment: This sequence change creates a premature translational stop signal (p.Tyr334*) in the AARS gene. It is expected to result in an absent or disrupted protein product. Loss-of-function variants in AARS are known to be pathogenic (PMID: 25817015, 28493438, 34446925). This variant is not present in population databases (gnomAD no frequency). This variant has not been reported in the literature in individuals affected with AARS-related conditions. For these reasons, this variant has been classified as Pathogenic.

Literature cited by the submitters: PubMed 25817015; PubMed 28493438; PubMed 34446925.